The following is an entry in ClinVar:

NM_000238.4(KCNH2):c.670G>A (p.Gly224Arg)

Gene: KCNH2 (potassium voltage-gated channel subfamily H member 2; minus strand). Cytogenetic location: 7q36.1.
Variant type: single nucleotide variant.
Coding change: c.670G>A on transcript NM_000238.4 (MANE Select); coding-DNA position 670, G replaced by A.
Protein change: p.Gly224Arg; replaces glycine 224 with arginine.
Molecular consequence: missense variant.
Genome position (GRCh38, 1-based): chr7:150,958,305, C>T on the plus strand (G>A on the coding strand, the complement: KCNH2 is on the minus strand). VCF-style: chr7-150958305-C-T. GRCh37 (hg19) VCF-style: chr7-150655393-C-T.
Other names: p.G224R:GGG>AGG; c.382G>A, p.Gly128Arg (NM_001406753.1, NM_001406756.1); c.493G>A, p.Gly165Arg (NM_001406755.1); c.370G>A, p.Gly124Arg (NM_001406757.1); c.670G>A, p.Gly224Arg (NM_172056.3); short protein forms G224R, G124R, G128R, G165R.
Identifiers: ClinVar variation 200297 (VCV000200297.9), dbSNP rs794728358, ClinGen allele CA008669.

ClinVar aggregate classification (germline): Uncertain significance. Review status: criteria provided, multiple submitters, no conflicts (2 of 4 stars). 5 submissions from 5 submitters: Uncertain significance (5). Last evaluated 2024-05-09.

Conditions:
Cardiovascular phenotype. Identifiers: MedGen CN230736.
Long QT syndrome 2 (LQT2). Identifiers: Orphanet 101016, Orphanet 768, MedGen C3150943, MONDO:0013367, OMIM 613688.
Short QT syndrome type 1. Identifiers: Orphanet 51083, MedGen C1865020, MONDO:0012312, OMIM 609620.
Long QT syndrome (LQTS). Identifiers: MedGen C0023976, MeSH D008133, MONDO:0002442. Disease mechanism: loss of function. Inheritance: Various modes of inheritance.

Allele frequency attached by ClinVar (database versions not stated): gnomAD exomes below 0.00001; TOPMed 0.00001.
gnomAD v4.1: 1 of 1,480,324 alleles (0.000068%); highest among the groups gnomAD compares: Non-Finnish European, 0.000089%; no homozygotes.

Submissions (5):

Ambry Genetics
Classification: Uncertain significance for Cardiovascular phenotype. Last evaluated: 2024-05-09. Review status: criteria provided, single submitter. Criteria: Ambry Variant Classification Scheme 2023. Collection method: clinical testing. Allele origin: germline.
Comment: The p.G224R variant (also known as c.670G>A), located in coding exon 4 of the KCNH2 gene, results from a G to A substitution at nucleotide position 670. The glycine at codon 224 is replaced by arginine, an amino acid with dissimilar properties. This amino acid position is well conserved in available vertebrate species. In addition, the in silico prediction for this alteration is inconclusive. Based on the available evidence, the clinical significance of this variant remains unclear.

Labcorp Genetics (formerly Invitae), Labcorp
Classification: Uncertain significance for Long QT syndrome. Last evaluated: 2024-03-02. Review status: criteria provided, single submitter. Criteria: Invitae Variant Classification Sherloc (09022015). Collection method: clinical testing. Allele origin: germline.
Comment: This sequence change replaces glycine, which is neutral and non-polar, with arginine, which is basic and polar, at codon 224 of the KCNH2 protein (p.Gly224Arg). This variant is not present in population databases (gnomAD no frequency). This variant has not been reported in the literature in individuals affected with KCNH2-related conditions. ClinVar contains an entry for this variant (Variation ID: 200297). An algorithm developed to predict the effect of missense changes on protein structure and function (PolyPhen-2) suggests that this variant is likely to be tolerated. In summary, the available evidence is currently insufficient to determine the role of this variant in disease. Therefore, it has been classified as a Variant of Uncertain Significance.

Fulgent Genetics
Classification: Uncertain significance for Short QT syndrome type 1; Long QT syndrome 2. Last evaluated: 2021-09-07. Review status: criteria provided, single submitter. Criteria: ACMG Guidelines, 2015. Collection method: clinical testing. Allele origin: unknown.

Athena Diagnostics
Classification: Uncertain significance. Last evaluated: 2019-07-03. Review status: criteria provided, single submitter. Criteria: Athena Diagnostics Criteria. Collection method: clinical testing. Allele origin: germline.

GeneDx
Classification: Uncertain significance. Last evaluated: 2018-08-13. Review status: criteria provided, single submitter. Criteria: GeneDx Variant Classification (06012015). Collection method: clinical testing. Allele origin: germline. Affected: yes.
Comment: p.Gly224Arg (GGG>AGG): c.670 G>A in exon 4 of the KCNH2 gene (NM_000238.2)A variant of unknown significance has been identified in the KCNH2 gene. The G224R variant has not been published as a mutation or as a benign polymorphism to our knowledge. The G224R variant was not observed in approximately 5,300 individuals of European and African American ancestry in the NHLBI Exome Sequencing Project, indicating it is not a common benign variant in these populations. Additionally, the G224R variant is a non-conservative amino acid substitution, which is likely to impact secondary protein structure as these residues differ in polarity, charge, size and/or other properties. This substitution occurs at a position that is conserved in mammals. In silico analysis is inconsistent in its predictions as to whether or not the variant is damaging to the protein structure/function, however at least two models predict this variant is possibly damaging to the protein structure/function. One missense mutation in a nearby residue (M218V) has been reported in association with LQTS, supporting the functional importance of this region of the protein.Therefore, based on the currently available information, it is unclear whether this variant is a pathogenic mutation or a rare benign variant. The variant is found in LQT panel(s).